The following is an entry in ClinVar:

ClinVar aggregate classification (germline): Uncertain significance. Review status: criteria provided, multiple submitters, no conflicts (2 of 4 stars). 3 submissions from 3 submitters: Uncertain significance (3). Last evaluated 2023-06-09.

Conditions:
Tuberous sclerosis 2 (TSC2). Identifiers: Orphanet 805, MedGen C1860707, MONDO:0013199, OMIM 613254.
Hereditary cancer-predisposing syndrome. Also called: Neoplastic Syndromes, Hereditary; Hereditary Cancer Syndrome; Hereditary neoplastic syndrome; Tumor predisposition. Identifiers: Orphanet 140162, MedGen C0027672, MeSH D009386, MONDO:0015356.
Tuberous sclerosis syndrome (TSC). Also called: Tuberous Sclerosis Complex; Tuberous sclerosis. Identifiers: Orphanet 805, MedGen C0041341, MONDO:0001734.

Submissions (3):

Labcorp Genetics (formerly Invitae), Labcorp
Classification: Uncertain significance for Tuberous sclerosis 2. Last evaluated: 2023-06-09. Review status: criteria provided, single submitter. Criteria: Invitae Variant Classification Sherloc (09022015). Collection method: clinical testing. Allele origin: germline.
Comment: This sequence change replaces serine, which is neutral and polar, with phenylalanine, which is neutral and non-polar, at codon 1121 of the TSC2 protein (p.Ser1121Phe). This variant is not present in population databases (gnomAD no frequency). This variant has not been reported in the literature in individuals affected with TSC2-related conditions. ClinVar contains an entry for this variant (Variation ID: 823667). Advanced modeling of protein sequence and biophysical properties (such as structural, functional, and spatial information, amino acid conservation, physicochemical variation, residue mobility, and thermodynamic stability) performed at Invitae indicates that this missense variant is not expected to disrupt TSC2 protein function. In summary, the available evidence is currently insufficient to determine the role of this variant in disease. Therefore, it has been classified as a Variant of Uncertain Significance.

All of Us Research Program, National Institutes of Health
Classification: Uncertain significance for Tuberous sclerosis syndrome. Last evaluated: 2023-04-03. Review status: criteria provided, single submitter. Criteria: ACMG Guidelines, 2015. Collection method: clinical testing. Allele origin: germline. Inheritance: Autosomal dominant inheritance. Observed: 1 variant allele, 1 heterozygote.
Comment: This missense variant replaces serine with phenylalanine at codon 1121 of the TSC2 protein. Computational prediction is inconclusive regarding the impact of this variant on protein structure and function (internally defined REVEL score threshold 0.5 < inconclusive < 0.7, PMID: 27666373). To our knowledge, functional studies have not been reported for this variant. This variant has not been reported in individuals affected with TSC2-related disorders in the literature. This variant has not been identified in the general population by the Genome Aggregation Database (gnomAD). The available evidence is insufficient to determine the role of this variant in disease conclusively. Therefore, this variant is classified as a Variant of Uncertain Significance.

This study involves interpretation of variants in research participants for the purpose of population health screening. Participant phenotype was not available at the time of variant classification. Additional details can be found in publication PMID: 35346344, PMCID: PMC8962531

Ambry Genetics
Classification: Uncertain significance for Hereditary cancer-predisposing syndrome. Last evaluated: 2019-09-18. Review status: criteria provided, single submitter. Criteria: Ambry Variant Classification Scheme 2023. Collection method: clinical testing. Allele origin: germline.
Comment: The p.S1121F variant (also known as c.3362C>T), located in coding exon 28 of the TSC2 gene, results from a C to T substitution at nucleotide position 3362. The serine at codon 1121 is replaced by phenylalanine, an amino acid with highly dissimilar properties. This amino acid position is poorly conserved in available vertebrate species. In addition, the in silico prediction for this alteration is inconclusive. Since supporting evidence is limited at this time, the clinical significance of this alteration remains unclear.

NM_000548.5(TSC2):c.3362C>T (p.Ser1121Phe)

Gene: TSC2 (TSC complex subunit 2; plus strand). Cytogenetic location: 16p13.3.
Variant type: single nucleotide variant.
Coding change: c.3362C>T on transcript NM_000548.5 (MANE Select); coding-DNA position 3362, C replaced by T.
Protein change: p.Ser1121Phe; replaces serine 1121 with phenylalanine.
Molecular consequence: missense variant.
Genome position (GRCh38, 1-based): chr16:2,079,634, C>T. VCF-style: chr16-2079634-C-T. GRCh37 (hg19) VCF-style: chr16-2129635-C-T.
Other names: c.3230C>T, p.Ser1077Phe (NM_001077183.3, NM_001370404.1); c.3362C>T, p.Ser1121Phe (NM_001114382.3); c.3122C>T, p.Ser1041Phe (NM_001318827.2); c.3086C>T, p.Ser1029Phe (NM_001318829.2); c.2630C>T, p.Ser877Phe (NM_001318831.2); c.3263C>T, p.Ser1088Phe (NM_001318832.2); c.3233C>T, p.Ser1078Phe (NM_001363528.2, NM_001370405.1, NM_021055.3); short protein forms S1078F, S1088F, S1077F, S1121F, S1029F, S1041F, S877F.
Identifiers: ClinVar variation 823667 (VCV000823667.8), dbSNP rs1596386254, ClinGen allele CA394286670.
Genomic context (GRCh38, chr16:2,079,634, plus strand): 5'-ATGTGAGACAGACCAAGGAGGCGCCGGCCAAGCTGGAGTCCCAGGCTGGGCAGCAGGTGT[C>T]CCGTGGGGCCCGGGATCGGGTCCGTTCCATGTCGGGTGAGCCTTGGCCCCAGCCACCTCC-3'
Protein context (NP_000539.2, residues 1111-1131): KLESQAGQQV[Ser1121Phe]RGARDRVRSM